The following is an entry in ClinVar:

NM_002470.4(MYH3):c.2891A>G (p.Lys964Arg)

Gene: MYH3 (myosin heavy chain 3; minus strand). Cytogenetic location: 17p13.1.
Variant type: single nucleotide variant.
Coding change: c.2891A>G on transcript NM_002470.4 (MANE Select); coding-DNA position 2891, A replaced by G.
Protein change: p.Lys964Arg; replaces lysine 964 with arginine.
Molecular consequence: missense variant.
Genome position (GRCh38, 1-based): chr17:10,639,594, T>C on the plus strand (A>G on the coding strand, the complement: MYH3 is on the minus strand). VCF-style: chr17-10639594-T-C. GRCh37 (hg19) VCF-style: chr17-10542911-T-C.
Other names: c.2891A>G (NM_002470.3); short protein forms K964R.
Identifiers: ClinVar variation 973882 (VCV000973882.5), dbSNP rs2074249340, ClinGen allele CA398156734.
Genomic context (GRCh38, chr17:10,639,594, plus strand): 5'-GCTAGACACACCTACAATAAGAATACCTTGTTCTCTGTGGCATGCTTCTCCTTCTCAACC[T>C]TGGCCAGGGTCAACTCAAGGTCATCAATGTCTTTCTTGAGCTCTGAGCATTCATCCTCCA-3'
Protein context (NP_002461.2, residues 954-974): DIDDLELTLA[Lys964Arg]VEKEKHATEN

ClinVar aggregate classification (germline): Uncertain significance. Review status: criteria provided, multiple submitters, no conflicts (2 of 4 stars). 3 submissions from 3 submitters: Uncertain significance (3). Last evaluated 2026-05-13.

Conditions:
Inborn genetic diseases. Identifiers: MedGen C0950123, MeSH D030342.
Freeman-Sheldon syndrome (DA2A). Also called: CRANIOCARPOTARSAL DYSPLASIA; CRANIOCARPOTARSAL DYSTROPHY; Arthrogryposis, distal, type 2A (Freeman-Sheldon); WHISTLING FACE-WINDMILL VANE HAND SYNDROME. Identifiers: Orphanet 2053, MedGen C0265224, MONDO:0008675, OMIM 193700.
Arthrogryposis, distal, type 2B3. Also called: Arthrogryposis, distal, type 2B3 (Sheldon-Hall). Identifiers: MedGen C5193098, MONDO:0032751, OMIM 618436.

Allele frequency attached by ClinVar (database versions not stated): gnomAD exomes below 0.00001.

Submissions (3):

Ambry Genetics
Classification: Uncertain significance for Inborn genetic diseases. Last evaluated: 2026-05-13. Review status: criteria provided, single submitter. Criteria: Ambry Variant Classification Scheme 2023. Collection method: clinical testing. Allele origin: germline.

Labcorp Genetics (formerly Invitae), Labcorp
Classification: Uncertain significance. Last evaluated: 2025-03-14. Review status: criteria provided, single submitter. Criteria: Invitae Variant Classification Sherloc (09022015). Collection method: clinical testing. Allele origin: germline.
Comment: This sequence change replaces lysine, which is basic and polar, with arginine, which is basic and polar, at codon 964 of the MYH3 protein (p.Lys964Arg). This variant is not present in population databases (gnomAD no frequency). This variant has not been reported in the literature in individuals affected with MYH3-related conditions. ClinVar contains an entry for this variant (Variation ID: 973882). Invitae Evidence Modeling of protein sequence and biophysical properties (such as structural, functional, and spatial information, amino acid conservation, physicochemical variation, residue mobility, and thermodynamic stability) indicates that this missense variant is not expected to disrupt MYH3 protein function with a negative predictive value of 95%. In summary, the available evidence is currently insufficient to determine the role of this variant in disease. Therefore, it has been classified as a Variant of Uncertain Significance.

Johns Hopkins Genomics, Johns Hopkins University
Classification: Uncertain significance for Freeman-Sheldon syndrome; Arthrogryposis, distal, type 2B3. Last evaluated: 2020-04-03. Review status: criteria provided, single submitter. Criteria: ACMG Guidelines, 2015. Collection method: clinical testing. Allele origin: germline.
Comment: This MYH3 variant is absent from a large population dataset and has not been reported in ClinVar nor the literature, to our knowledge. Of three bioinformatics tools queried, two predict that the substitution would be damaging, while one predicts that it would be benign. The lysine residue at this position is evolutionarily conserved across all species assessed. Bioinformatic analysis predicts that this missernse variant would not affect normal exon 23 splicing, although this has not been confirmed experimentally to our knowledge. Due to insufficient evidence that this variant is deleterious, we consider the clinical significance of c.2891A>G to be uncertain at this time.